The following is an entry in ClinVar:

NM_020911.2(PLXNA4):c.1927G>C (p.Gly643Arg)

Gene: PLXNA4 (plexin A4; minus strand). Cytogenetic location: 7q32.3.
Variant type: single nucleotide variant.
Coding change: c.1927G>C on transcript NM_020911.2 (MANE Select); coding-DNA position 1927, G replaced by C.
Protein change: p.Gly643Arg; replaces glycine 643 with arginine.
Molecular consequence: missense variant.
Genome position (GRCh38, 1-based): chr7:132,226,216, C>G on the plus strand (G>C on the coding strand, the complement: PLXNA4 is on the minus strand). VCF-style: chr7-132226216-C-G. GRCh37 (hg19) VCF-style: chr7-131910975-C-G.
Other names: c.1927G>C, p.Gly643Arg (NM_001393897.1); short protein forms G643R.
Identifiers: ClinVar variation 2333192 (VCV002333192.3), dbSNP rs1460318926, ClinGen allele CA369312994.
Genomic context (GRCh38, chr7:132,226,216, plus strand): 5'-CTTACGAATTGTGGACGCTGCAATTGTAGAAGACAAAGCTGGTGCTGGCGAAGGTCATGC[C>G]GGTCTCCTTTGATTTGAGCTGAAGCTGTACGACATGGTGGTCCCCTACAAGGAGAGATGG-3'
Protein context (NP_065962.1, residues 633-653): VQLQLKSKET[Gly643Arg]MTFASTSFVF

ClinVar aggregate classification (germline): Uncertain significance. Review status: criteria provided, single submitter (1 of 4 stars). 2 submissions from 2 submitters: Uncertain significance (1). 1 of the submissions does not count toward it. Last evaluated 2022-12-06.

Conditions:
PLXNA4-related disorder. Also called: PLXNA4-related condition.

gnomAD v4.1: 2 of 1,613,758 alleles (0.00012%); highest among the groups gnomAD compares: Admixed American, 0.0033%; no homozygotes.

Submissions (2):

Ambry Genetics
Classification: Uncertain significance. Last evaluated: 2022-12-06. Review status: criteria provided, single submitter. Criteria: Ambry Variant Classification Scheme 2023. Collection method: clinical testing. Allele origin: germline.

PreventionGenetics, part of Exact Sciences
Classification: Uncertain significance for PLXNA4-related condition. Last evaluated: 2024-04-16. Review status: no assertion criteria provided. Collection method: clinical testing. Allele origin: germline. Not counted in ClinVar's aggregate classification.
Comment: The PLXNA4 c.1927G>C variant is predicted to result in the amino acid substitution p.Gly643Arg. To our knowledge, this variant has not been reported in the literature. A different variant affecting the same amino acid (p.Gly643Asp) has been reported in an individual with severe obesity and recurrent infections (van der Klaauw et al. 2019. PubMed ID: 30661757). This variant is reported in 0.0029% of alleles in individuals of Latino descent in gnomAD. Although we suspect that this variant may be pathogenic, at this time, the clinical significance of this variant is uncertain due to the absence of conclusive functional and genetic evidence.